The following is an entry in ClinVar:

NM_033026.6(PCLO):c.2824G>A (p.Ala942Thr)

Gene: PCLO (piccolo presynaptic cytomatrix protein; minus strand). Cytogenetic location: 7q21.11.
Variant type: single nucleotide variant.
Coding change: c.2824G>A on transcript NM_033026.6 (MANE Select); coding-DNA position 2824, G replaced by A.
Protein change: p.Ala942Thr; replaces alanine 942 with threonine.
Molecular consequence: missense variant.
Genome position (GRCh38, 1-based): chr7:83,134,726, C>T on the plus strand (G>A on the coding strand, the complement: PCLO is on the minus strand). VCF-style: chr7-83134726-C-T. GRCh37 (hg19) VCF-style: chr7-82764042-C-T.
Other names: c.2824G>A, p.Ala942Thr (NM_014510.3); short protein forms A942T.
Identifiers: ClinVar variation 1418555 (VCV001418555.8), dbSNP rs2116615451, ClinGen allele CA367898690.
Genomic context (GRCh38, chr7:83,134,726, plus strand): 5'-CCCCTGGTCCACTTTGTGAATGAGGTCCAGGTTGGCCTGCAGTGGAAATTAAATTTGATG[C>T]CTGGCTGAAGATTGATGCTCCAAACCCAAAGAGTTTCCCAGTCACGGTCTCTTGAGGAGT-3'
Protein context (NP_149015.2, residues 932-952): FGFGASIFSQ[Ala942Thr]SNLISTAGQP

ClinVar aggregate classification (germline): Uncertain significance (1 of 4 stars; one submission).

Submission:

Labcorp Genetics (formerly Invitae), Labcorp
Classification: Uncertain significance. Last evaluated: 2022-06-20. Review status: criteria provided, single submitter. Criteria: Invitae Variant Classification Sherloc (09022015). Collection method: clinical testing. Allele origin: germline.
Comment: This sequence change replaces alanine, which is neutral and non-polar, with threonine, which is neutral and polar, at codon 942 of the PCLO protein (p.Ala942Thr). This variant is not present in population databases (gnomAD no frequency). This variant has not been reported in the literature in individuals affected with PCLO-related conditions. Algorithms developed to predict the effect of missense changes on protein structure and function are either unavailable or do not agree on the potential impact of this missense change (SIFT: "Deleterious"; PolyPhen-2: "Not Available"; Align-GVGD: "Class C0"). In summary, the available evidence is currently insufficient to determine the role of this variant in disease. Therefore, it has been classified as a Variant of Uncertain Significance.